The following is an entry in ClinVar:

NM_014845.6(FIG4):c.251C>T (p.Ser84Leu)

Gene: FIG4 (FIG4 phosphoinositide 5-phosphatase; plus strand). Cytogenetic location: 6q21.
Variant type: single nucleotide variant.
Coding change: c.251C>T on transcript NM_014845.6 (MANE Select); coding-DNA position 251, C replaced by T.
Protein change: p.Ser84Leu; replaces serine 84 with leucine.
Molecular consequence: missense variant.
Genome position (GRCh38, 1-based): chr6:109,716,530, C>T. VCF-style: chr6-109716530-C-T. GRCh37 (hg19) VCF-style: chr6-110037733-C-T.
Other names: p.Ser84Leu; short protein forms S84L.
Identifiers: ClinVar variation 850812 (VCV000850812.10), dbSNP rs768384237, ClinGen allele CA3955717.

ClinVar aggregate classification (germline): Uncertain significance. Review status: criteria provided, multiple submitters, no conflicts (2 of 4 stars). 6 submissions from 6 submitters: Uncertain significance (6). Last evaluated 2026-08-31.

Conditions:
FIG4-related disorder. Also called: FIG4-related condition; FIG4-related disorders.
Charcot-Marie-Tooth disease type 4. Also called: Charcot-Marie-Tooth disease, type IV; Charcot-Marie-Tooth, Type 4. Identifiers: Orphanet 64749, MedGen C4082197, MONDO:0018995.
Inborn genetic diseases. Identifiers: MedGen C0950123, MeSH D030342.

Allele frequency attached by ClinVar (database versions not stated): gnomAD 0.00001; ExAC 0.00002; gnomAD exomes 0.00002 and 0.00003; TOPMed 0.00002.
gnomAD v4.1: 46 of 1,613,810 alleles (0.0029%); highest among the groups gnomAD compares: Non-Finnish European, 0.0036%; no homozygotes.

Submissions (6):

PreventionGenetics, part of Exact Sciences
Classification: Uncertain significance for FIG4-related condition. Last evaluated: 2026-08-31. Review status: criteria provided, single submitter. Criteria: ACMG Guidelines, 2015. Collection method: clinical testing. Allele origin: germline.
Comment: The FIG4 c.251C>T variant is predicted to result in the amino acid substitution p.Ser84Leu. To our knowledge, this variant has not been reported in the literature. This variant is reported in 0.0033% of alleles in individuals of South Asian descent in gnomAD. At this time, the clinical significance of this variant is uncertain due to the absence of conclusive functional and genetic evidence.

Blueprint Genetics
Classification: Uncertain significance. Last evaluated: 2024-08-26. Review status: criteria provided, single submitter. Criteria: ACMG Guidelines, 2015. Collection method: clinical testing. Allele origin: germline.

GeneDx
Classification: Uncertain significance. Last evaluated: 2024-07-18. Review status: criteria provided, single submitter. Criteria: GeneDx Variant Classification Process June 2021. Collection method: clinical testing. Allele origin: germline. Affected: yes.
Comment: Not observed at significant frequency in large population cohorts (gnomAD); In silico analysis supports that this missense variant has a deleterious effect on protein structure/function; Has not been previously published as pathogenic or benign to our knowledge

Mayo Clinic Laboratories, Mayo Clinic
Classification: Uncertain significance. Last evaluated: 2023-07-18. Review status: criteria provided, single submitter. Criteria: ACMG Guidelines, 2015. Collection method: clinical testing. Allele origin: germline. Observed: 1 variant allele.

Labcorp Genetics (formerly Invitae), Labcorp
Classification: Uncertain significance for Charcot-Marie-Tooth disease type 4. Last evaluated: 2022-07-05. Review status: criteria provided, single submitter. Criteria: Invitae Variant Classification Sherloc (09022015). Collection method: clinical testing. Allele origin: germline.
Comment: This sequence change replaces serine, which is neutral and polar, with leucine, which is neutral and non-polar, at codon 84 of the FIG4 protein (p.Ser84Leu). This variant is present in population databases (rs768384237, gnomAD 0.003%). This variant has not been reported in the literature in individuals affected with FIG4-related conditions. ClinVar contains an entry for this variant (Variation ID: 850812). Algorithms developed to predict the effect of missense changes on protein structure and function (SIFT, PolyPhen-2, Align-GVGD) all suggest that this variant is likely to be tolerated. In summary, the available evidence is currently insufficient to determine the role of this variant in disease. Therefore, it has been classified as a Variant of Uncertain Significance.

Ambry Genetics
Classification: Uncertain significance for Inborn genetic diseases. Last evaluated: 2020-01-10. Review status: criteria provided, single submitter. Criteria: Ambry Variant Classification Scheme 2023. Collection method: clinical testing. Allele origin: germline.
Comment: The p.S84L variant (also known as c.251C>T), located in coding exon 3 of the FIG4 gene, results from a C to T substitution at nucleotide position 251. The serine at codon 84 is replaced by leucine, an amino acid with dissimilar properties. This amino acid position is well conserved in available vertebrate species. In addition, the in silico prediction for this alteration is inconclusive. Since supporting evidence is limited at this time, the clinical significance of this alteration remains unclear.